The following is an entry in ClinVar:

ClinVar aggregate classification (germline): Uncertain significance (1 of 4 stars; one submission).

Conditions:
Neuroblastoma, susceptibility to, 3. Also called: ALK-Related Neuroblastic Tumor Susceptibility. Identifiers: Orphanet 635, MedGen C2751681, MONDO:0013083, OMIM 613014.

Allele frequency attached by ClinVar (database versions not stated): gnomAD exomes below 0.00001.
gnomAD v4.1: 1 of 1,563,578 alleles (0.000064%); highest among the groups gnomAD compares: African/African-American, 0.0014%; no homozygotes.

Submission:

Labcorp Genetics (formerly Invitae), Labcorp
Classification: Uncertain significance for Neuroblastoma, susceptibility to, 3. Last evaluated: 2025-06-14. Review status: criteria provided, single submitter. Criteria: Invitae Variant Classification Sherloc (09022015). Collection method: clinical testing. Allele origin: germline.
Comment: This sequence change replaces alanine, which is neutral and non-polar, with aspartic acid, which is acidic and polar, at codon 120 of the ALK protein (p.Ala120Asp). This variant is not present in population databases (gnomAD no frequency). This variant has not been reported in the literature in individuals affected with ALK-related conditions. ClinVar contains an entry for this variant (Variation ID: 2894440). An algorithm developed to predict the effect of missense changes on protein structure and function (PolyPhen-2) suggests that this variant is likely to be tolerated. In summary, the available evidence is currently insufficient to determine the role of this variant in disease. Therefore, it has been classified as a Variant of Uncertain Significance.

NM_004304.5(ALK):c.359C>A (p.Ala120Asp)

Gene: ALK (ALK receptor tyrosine kinase; minus strand). Cytogenetic location: 2p23.1.
Variant type: single nucleotide variant.
Coding change: c.359C>A on transcript NM_004304.5 (MANE Select); coding-DNA position 359, C replaced by A.
Protein change: p.Ala120Asp; replaces alanine 120 with aspartic acid.
Molecular consequence: missense variant.
Genome position (GRCh38, 1-based): chr2:29,920,301, G>T on the plus strand (C>A on the coding strand, the complement: ALK is on the minus strand). VCF-style: chr2-29920301-G-T. GRCh37 (hg19) VCF-style: chr2-30143167-G-T.
Other names: short protein forms A120D.
Identifiers: ClinVar variation 2894440 (VCV002894440.3), dbSNP rs1572503333, ClinGen allele CA346590192.